The following is an entry in ClinVar:

NM_001005242.3(PKP2):c.156G>A (p.Lys52=)

Gene: PKP2 (plakophilin 2; minus strand). Cytogenetic location: 12p11.21.
Variant type: single nucleotide variant.
Coding change: c.156G>A on transcript NM_001005242.3 (MANE Select); coding-DNA position 156, G replaced by A.
Protein change: p.Lys52=; no amino-acid change (lysine 52 retained).
Molecular consequence: synonymous variant.
Genome position (GRCh38, 1-based): chr12:32,896,576, C>T on the plus strand (G>A on the coding strand, the complement: PKP2 is on the minus strand). VCF-style: chr12-32896576-C-T. GRCh37 (hg19) VCF-style: chr12-33049510-C-T.
Other names: c.156G>A, p.Lys52= (NM_004572.4).
Identifiers: ClinVar variation 45030 (VCV000045030.41), dbSNP rs201210997, ClinGen allele CA011152.

ClinVar aggregate classification (germline): Benign/Likely benign. Review status: criteria provided, multiple submitters, no conflicts (2 of 4 stars). 15 submissions from 15 submitters: Benign (9); Likely benign (5). 1 of the submissions does not count toward it. Last evaluated 2026-09-01.

Conditions:
PKP2-related disorder. Also called: PKP2-related condition.
Cardiovascular phenotype. Identifiers: MedGen CN230736.
Cardiomyopathy (CMYO). Also called: Cardiomyopathies. Identifiers: Orphanet 167848, MedGen C0878544, MONDO:0004994, HP:0001638. Inheritance: Various modes of inheritance.
Arrhythmogenic right ventricular dysplasia 9 (ARVD9). Also called: Arrhythmogenic Right Ventricular Dysplasia/Cardiomyopathy 9; ARRHYTHMOGENIC RIGHT VENTRICULAR DYSPLASIA, FAMILIAL, 9. Identifiers: MedGen C1836906, MONDO:0012180, OMIM 609040.

Allele frequency attached by ClinVar (database versions not stated): gnomAD 0.00097 and 0.00092; ExAC 0.00130; TOPMed 0.00191; 1000 Genomes Project 0.00220; gnomAD exomes 0.00140; 1000 Genomes Project 30x 0.00250.
gnomAD v4.1: 720 of 1,590,896 alleles (0.045%); highest among the groups gnomAD compares: Admixed American, 0.79%; 5 homozygotes.

Submissions (15):

CeGaT Center for Human Genetics Tuebingen
Classification: Likely benign. Last evaluated: 2026-09-01. Review status: criteria provided, single submitter. Criteria: CeGaT Center For Human Genetics Tuebingen Variant Classification Criteria Version 2. Collection method: clinical testing. Allele origin: germline. Affected: yes. Observed: 16 variant alleles.
Comment: PKP2: BP4, BP7

Labcorp Genetics (formerly Invitae), Labcorp
Classification: Benign for Arrhythmogenic right ventricular dysplasia 9. Last evaluated: 2026-02-02. Review status: criteria provided, single submitter. Criteria: Invitae Variant Classification Sherloc (09022015). Collection method: clinical testing. Allele origin: germline.

Blueprint Genetics
Classification: Likely benign. Last evaluated: 2024-09-11. Review status: criteria provided, single submitter. Criteria: ACMG Guidelines, 2015. Collection method: clinical testing. Allele origin: germline.

ARUP Laboratories, Molecular Genetics and Genomics, ARUP Laboratories
Classification: Benign for Arrhythmogenic right ventricular dysplasia 9. Last evaluated: 2024-05-17. Review status: criteria provided, single submitter. Criteria: ARUP Molecular Germline Variant Investigation Process 2024. Collection method: clinical testing. Allele origin: germline.

Fulgent Genetics
Classification: Benign for Arrhythmogenic right ventricular dysplasia 9. Last evaluated: 2021-09-18. Review status: criteria provided, single submitter. Criteria: ACMG Guidelines, 2015. Collection method: clinical testing. Allele origin: unknown.

GeneDx
Classification: Benign. Last evaluated: 2020-03-30. Review status: criteria provided, single submitter. Criteria: GeneDx Variant Classification Process June 2021. Collection method: clinical testing. Allele origin: germline. Affected: yes.
Comment: This variant is associated with the following publications: (PMID: 31402444, 26332594, 19302745)

Mendelics
Classification: Benign for Arrhythmogenic right ventricular dysplasia 9. Last evaluated: 2019-05-28. Review status: criteria provided, single submitter. Criteria: Mendelics Assertion Criteria 2017. Collection method: clinical testing. Allele origin: unknown.

Women's Health and Genetics/Laboratory Corporation of America, LabCorp
Classification: Benign. Last evaluated: 2018-12-03. Review status: criteria provided, single submitter. Criteria: LabCorp Variant Classification Summary - May 2015. Collection method: clinical testing. Allele origin: germline.
Comment: Variant summary: PKP2 c.156G>A alters a non-conserved nucleotide resulting in a synonymous change. 5/5 computational tools predict no significant impact on normal splicing. However, these predictions have yet to be confirmed by functional studies. The variant allele was found at a frequency of 0.0013 in 242920 control chromosomes, predominantly at a frequency of 0.0078 within the Latino subpopulation in the gnomAD database, including 1 homozygotes. The observed variant frequency within Latino control individuals in the gnomAD database is approximately 7.25 fold of the estimated maximal expected allele frequency for a pathogenic variant in PKP2 causing Cardiomyopathy phenotype (0.0011), strongly suggesting that the variant is a benign polymorphism found primarily in populations of Latino origin. c.156G>A has been reported in the literature in individuals affected with Cardiomyopathy (Wu_2009). These report(s) do not provide unequivocal conclusions about association of the variant with Cardiomyopathy. To our knowledge, no experimental evidence demonstrating an impact on protein function has been reported. Three clinical diagnostic laboratories have submitted clinical-significance assessments for this variant to ClinVar after 2014 without evidence for independent evaluation. All laboratories classified the variant as benign/likely benign. Based on the evidence outlined above, the variant was classified as benign.

Illumina Laboratory Services, Illumina
Classification: Likely benign for Arrhythmogenic right ventricular dysplasia 9. Last evaluated: 2018-04-25. Review status: criteria provided, single submitter. Criteria: ICSL Variant Classification Criteria 13 December 2019. Collection method: clinical testing. Allele origin: germline.
Comment: This variant was observed as part of a predisposition screen in an ostensibly healthy population. A literature search was performed for the gene, cDNA change, and amino acid change (where applicable). No publications were found based on this search. Allele frequency data from public databases allowed determination this variant is unlikely to cause disease. Therefore, this variant is classified as likely benign.

Color Diagnostics, LLC DBA Color Health
Classification: Benign for Cardiomyopathy. Last evaluated: 2018-03-08. Review status: criteria provided, single submitter. Criteria: ACMG Guidelines, 2015. Collection method: clinical testing. Allele origin: germline.

Laboratory for Molecular Medicine, Mass General Brigham Personalized Medicine
Classification: Benign. Last evaluated: 2016-08-14. Review status: criteria provided, single submitter. Criteria: LMM Criteria. Collection method: clinical testing. Allele origin: germline. Observed: 3 variant alleles.
Comment: p.Lys52Lys in exon 1 of PKP2: This variant is not expected to have clinical sign ificance because it does not alter an amino acid residue and is not located with in the splice consensus sequence. It has been identified in 1% (78/8192) of Lati no chromosomes, including 1 homozygote, by the Exome Aggregation Consortium (ExA C; dbSNP rs201210997).

Soonchunhyang University Bucheon Hospital, Soonchunhyang University Medical Center
Classification: Likely benign for Arrhythmogenic right ventricular dysplasia 9. Last evaluated: 2016-03-18. Review status: criteria provided, single submitter. Criteria: ACMG Guidelines, 2015. Collection method: reference population. Allele origin: germline. Observed: 1 variant allele.

Ambry Genetics
Classification: Benign for Cardiovascular phenotype. Last evaluated: 2014-12-08. Review status: criteria provided, single submitter. Criteria: Ambry Variant Classification Scheme 2023. Collection method: clinical testing. Allele origin: germline.

Breakthrough Genomics
Classification: Likely benign. Review status: criteria provided, single submitter. Criteria: ACMG Guidelines, 2015. Collection method: not provided. Allele origin: germline. Inheritance: Autosomal dominant inheritance. Affected: yes.

PreventionGenetics, part of Exact Sciences
Classification: Benign for PKP2-related condition. Last evaluated: 2019-08-07. Review status: no assertion criteria provided. Collection method: clinical testing. Allele origin: germline. Not counted in ClinVar's aggregate classification.
Comment: This variant is classified as benign based on ACMG/AMP sequence variant interpretation guidelines (Richards et al. 2015 PMID: 25741868, with internal and published modifications).

Literature cited by the submitters: PubMed 19302745 (cited by 3 submitters).